The following is an entry in ClinVar:

ClinVar aggregate classification (germline): Pathogenic/Likely pathogenic. Review status: criteria provided, multiple submitters, no conflicts (2 of 4 stars). 3 submissions from 3 submitters: Pathogenic (2); Likely pathogenic (1). Last evaluated 2025-05-17.

Conditions:
Hereditary spherocytosis type 2. Also called: SPHEROCYTOSIS, TYPE 2, AUTOSOMAL DOMINANT. Identifiers: Orphanet 822, MedGen C2674219, MONDO:0000913, OMIM 616649.

Submissions (3):

Mayo Clinic Laboratories, Mayo Clinic
Classification: Likely pathogenic. Last evaluated: 2025-05-17. Review status: criteria provided, single submitter. Criteria: ACMG Guidelines, 2015. Collection method: clinical testing. Allele origin: germline. Observed: 1 variant allele.
Comment: PM2_supporting, PVS1

Labcorp Genetics (formerly Invitae), Labcorp
Classification: Pathogenic. Last evaluated: 2021-07-26. Review status: criteria provided, single submitter. Criteria: Invitae Variant Classification Sherloc (09022015). Collection method: clinical testing. Allele origin: germline.
Comment: For these reasons, this variant has been classified as Pathogenic. Algorithms developed to predict the effect of sequence changes on RNA splicing suggest that this variant may create or strengthen a splice site. This variant has not been reported in the literature in individuals affected with SPTB-related conditions. This variant is not present in population databases (ExAC no frequency). This sequence change creates a premature translational stop signal (p.Gln760*) in the SPTB gene. It is expected to result in an absent or disrupted protein product. Loss-of-function variants in SPTB are known to be pathogenic (PMID: 8844207, 26830532, 27292444).

UOS Fisiopatologia delle Anemie, Fondazione IRCCS Ca' Granda Ospedale Maggiore Policlinico Milano
Classification: Pathogenic for Hereditary spherocytosis type 2. Last evaluated: 2019-07-08. Review status: criteria provided, single submitter. Criteria: ACMG Guidelines, 2015. Collection method: clinical testing. Allele origin: germline. Affected: yes. Observed: 1 variant allele.

Literature cited by the submitters: PubMed 34093240 (cited by Mayo Clinic Laboratories, Mayo Clinic); PubMed 8844207 (cited by Labcorp Genetics (formerly Invitae), Labcorp); PubMed 26830532 (cited by Labcorp Genetics (formerly Invitae), Labcorp); PubMed 27292444 (cited by Labcorp Genetics (formerly Invitae), Labcorp).

NM_001355436.2(SPTB):c.2278C>T (p.Gln760Ter)

Gene: SPTB (spectrin beta, erythrocytic; minus strand). Cytogenetic location: 14q23.3.
Variant type: single nucleotide variant.
Coding change: c.2278C>T on transcript NM_001355436.2 (MANE Select); coding-DNA position 2278, C replaced by T.
Protein change: p.Gln760Ter; replaces glutamine 760 with a stop codon.
Molecular consequence: nonsense.
Genome position (GRCh38, 1-based): chr14:64,793,385, G>A on the plus strand (C>T on the coding strand, the complement: SPTB is on the minus strand). VCF-style: chr14-64793385-G-A. GRCh37 (hg19) VCF-style: chr14-65260103-G-A.
Other names: p.Gln760*; c.2278C>T, p.Gln760Ter (NM_001024858.4, NM_001355437.2); short protein forms Q760*.
Identifiers: ClinVar variation 992930 (VCV000992930.8), dbSNP rs2139594261, ClinGen allele CA390018258.